The following is an entry in ClinVar:

ClinVar aggregate classification (germline): Pathogenic/Likely pathogenic. Review status: criteria provided, multiple submitters, no conflicts (2 of 4 stars). 6 submissions from 6 submitters: Pathogenic (5); Likely pathogenic (1). Last evaluated 2025-09-24.

Conditions:
CFTR-related disorder (CFTR-RD). Also called: CFTR-related condition; CFTR-related disorders. Identifiers: MedGen C5924204, MONDO:7770004.
Bronchiectasis with or without elevated sweat chloride 1 (BESC1). Also called: Cystic Fibrosis-Like Syndrome. Identifiers: Orphanet 60033, MedGen C2749757, MONDO:0008887, OMIM 211400.
Cystic fibrosis (CF). Also called: MUCOVISCIDOSIS. Identifiers: Orphanet 586, MedGen C0010674, MONDO:0009061, OMIM 219700. Disease mechanism: loss of function.

Allele frequency attached by ClinVar (database versions not stated): gnomAD exomes below 0.00001 and 0.00001.
gnomAD v4.1: 2 of 1,609,352 alleles (0.00012%); highest among the groups gnomAD compares: East Asian, 0.0022%; no homozygotes.

Submissions (6):

Genesolutions, Medical Genetics Institutes, Ho Chi Minh City, Vietnam
Classification: Likely pathogenic for Cystic fibrosis. Last evaluated: 2025-09-24. Review status: criteria provided, single submitter. Criteria: ACMG Guidelines, 2015. Collection method: clinical testing. Allele origin: germline. Affected: yes.

Natera, Inc.
Classification: Pathogenic for CFTR-related disorders. Last evaluated: 2025-08-05. Review status: criteria provided, single submitter. Criteria: Natera Variant Classification Schema (03/2026). Collection method: clinical testing. Allele origin: germline.
Comment: The c.868C>T variant in CFTR is a nonsense variant predicted to introduce a stop codon at amino acid 290. This variant is expected to result in nonsense mediated decay, truncation, or a dysfunctional protein product. This variant is rare in the general population with a frequency below the threshold expected for the associated phenotype(s). This variant has been observed in one or more individuals affected with the associated recessive disease, as either homozygous or compound heterozygous with a second variant (PMID: 25122143, 35273129, 28003230, 26471113, 28116329). Given the available evidence, this variant is classified as Pathogenic.

Labcorp Genetics (formerly Invitae), Labcorp
Classification: Pathogenic for Cystic fibrosis. Last evaluated: 2025-07-21. Review status: criteria provided, single submitter. Criteria: Invitae Variant Classification Sherloc (09022015). Collection method: clinical testing. Allele origin: germline.
Comment: This sequence change creates a premature translational stop signal (p.Gln290*) in the CFTR gene. It is expected to result in an absent or disrupted protein product. Loss-of-function variants in CFTR are known to be pathogenic (PMID: 1695717, 7691345, 9725922). This variant is present in population databases (rs397508808, gnomAD 0.006%). This premature translational stop signal has been observed in individuals with cystic fibrosis and/or congenital bilateral absence of the vas deferens (PMID: 25122143, 26277102, 26900683). ClinVar contains an entry for this variant (Variation ID: 54074). For these reasons, this variant has been classified as Pathogenic.

Baylor Genetics
Classification: Pathogenic for Bronchiectasis with or without elevated sweat chloride 1. Last evaluated: 2023-07-03. Review status: criteria provided, single submitter. Criteria: ACMG Guidelines, 2015. Collection method: clinical testing. Allele origin: unknown.

Women's Health and Genetics/Laboratory Corporation of America, LabCorp
Classification: Pathogenic for Cystic fibrosis. Last evaluated: 2023-06-14. Review status: criteria provided, single submitter. Criteria: LabCorp Variant Classification Summary - May 2015. Collection method: clinical testing. Allele origin: germline.
Comment: Variant summary: CFTR c.868C>T (p.Gln290X) results in a premature termination codon, predicted to cause an absence of the protein due to nonsense mediated decay, which is a commonly known mechanism for disease. The variant allele was found at a frequency of 8.1e-06 in 248406 control chromosomes. c.868C>T has been reported in the literature in individuals affected with Cystic Fibrosis (example, Bresnick_2021, Chouikh_2016, Claustres_2000, Leung_2017). These data indicate that the variant is likely to be associated with disease. The following publications have been ascertained in the context of this evaluation (PMID: 34857524, 28003230, 10923036, 28116329). Clinical diagnostic laboratories and a database (CFTR2) have submitted clinical-significance assessments for this variant to ClinVar after 2014. All submitters classified the variant as pathogenic. Based on the evidence outlined above, the variant was classified as pathogenic.

CFTR-France
Classification: Pathogenic for cystic fibrosis. Last evaluated: 2018-01-29. Review status: criteria provided, single submitter. Criteria: Claustres M et al. (Hum Mutat 2017). Collection method: curation. Allele origin: germline. Affected: yes.

Literature cited by the submitters: PubMed 25122143 (cited by Natera, Inc. and Labcorp Genetics (formerly Invitae), Labcorp); PubMed 35273129 (cited by Natera, Inc.); PubMed 28003230 (cited by Natera, Inc. and Women's Health and Genetics/Laboratory Corporation of America, LabCorp); PubMed 26471113 (cited by Natera, Inc.); PubMed 28116329 (cited by Natera, Inc. and Women's Health and Genetics/Laboratory Corporation of America, LabCorp); PubMed 1695717 (cited by Labcorp Genetics (formerly Invitae), Labcorp); PubMed 7691345 (cited by Labcorp Genetics (formerly Invitae), Labcorp); PubMed 9725922 (cited by Labcorp Genetics (formerly Invitae), Labcorp); PubMed 26277102 (cited by Labcorp Genetics (formerly Invitae), Labcorp); PubMed 26900683 (cited by Labcorp Genetics (formerly Invitae), Labcorp); PubMed 10923036 (cited by Women's Health and Genetics/Laboratory Corporation of America, LabCorp); PubMed 34857524 (cited by Women's Health and Genetics/Laboratory Corporation of America, LabCorp).

NM_000492.4(CFTR):c.868C>T (p.Gln290Ter)

Gene: CFTR (CF transmembrane conductance regulator; plus strand). Cytogenetic location: 7q31.2.
Variant type: single nucleotide variant.
Coding change: c.868C>T on transcript NM_000492.4 (MANE Select); coding-DNA position 868, C replaced by T.
Protein change: p.Gln290Ter; replaces glutamine 290 with a stop codon.
Molecular consequence: nonsense.
Genome position (GRCh38, 1-based): chr7:117,536,672, C>T. VCF-style: chr7-117536672-C-T. GRCh37 (hg19) VCF-style: chr7-117176726-C-T.
Other names: short protein forms Q290*.
Identifiers: ClinVar variation 54074 (VCV000054074.13), dbSNP rs397508808, ClinGen allele CA327674.